The following is an entry in ClinVar:

ClinVar aggregate classification (germline): Uncertain significance (1 of 4 stars; one submission).

Conditions:
Aicardi-Goutieres syndrome 3. Identifiers: Orphanet 51, MedGen C1835916, MONDO:0012471, OMIM 610329.

Submission:

Labcorp Genetics (formerly Invitae), Labcorp
Classification: Uncertain significance for Aicardi-Goutieres syndrome 3. Last evaluated: 2025-01-06. Review status: criteria provided, single submitter. Criteria: Invitae Variant Classification Sherloc (09022015). Collection method: clinical testing. Allele origin: germline.
Comment: This sequence change falls in intron 3 of the RNASEH2C gene. It does not directly change the encoded amino acid sequence of the RNASEH2C protein. This variant is not present in population databases (gnomAD no frequency). This variant has not been reported in the literature in individuals affected with RNASEH2C-related conditions. ClinVar contains an entry for this variant (Variation ID: 2058953). Algorithms developed to predict the effect of sequence changes on RNA splicing suggest that this variant may disrupt the consensus splice site. In summary, the available evidence is currently insufficient to determine the role of this variant in disease. Therefore, it has been classified as a Variant of Uncertain Significance.

NM_032193.4(RNASEH2C):c.469-14_469-9del

Gene: RNASEH2C (ribonuclease H2 subunit C; minus strand). Cytogenetic location: 11q13.1.
Variant type: Deletion.
Coding change: c.469-14_469-9del on transcript NM_032193.4 (MANE Select); 14 bases into the intron before coding-DNA position 469 through 9 bases into the intron before coding-DNA position 469, 6 bases deleted (GACTCC; older notation c.469-14_469-9delGACTCC).
Molecular consequence: intron variant.
Genome position (GRCh38, 1-based): chr11:65,719,818-65,719,823, GGAGTC deleted on the plus strand (GACTCC on the coding strand, the reverse complement: RNASEH2C is on the minus strand); deleting any 6 consecutive bases within chr11:65,719,818-65,719,824 gives the same sequence; the c. name uses the placement nearest the transcript's 3' end. VCF-style (leftmost placement, unchanged base first): chr11-65719817-AGGAGTC-A. GRCh37 (hg19) VCF-style: chr11-65487288-AGGAGTC-A.
Identifiers: ClinVar variation 2058953 (VCV002058953.4), dbSNP rs2495307349, ClinGen allele CA2574879053.